The following is an entry in ClinVar:

NM_000093.5(COL5A1):c.287T>C (p.Phe96Ser)

Gene: COL5A1 (collagen type V alpha 1 chain; plus strand). Cytogenetic location: 9q34.3.
Variant type: single nucleotide variant.
Coding change: c.287T>C on transcript NM_000093.5 (MANE Select); coding-DNA position 287, T replaced by C.
Protein change: p.Phe96Ser; replaces phenylalanine 96 with serine.
Molecular consequence: missense variant.
Genome position (GRCh38, 1-based): chr9:134,699,918, T>C. VCF-style: chr9-134699918-T-C. GRCh37 (hg19) VCF-style: chr9-137591764-T-C.
Other names: c.287T>C, p.Phe96Ser (NM_001278074.1); short protein forms F96S.
Identifiers: ClinVar variation 4848091 (VCV004848091.1).

ClinVar aggregate classification (germline): Uncertain significance (1 of 4 stars; one submission).

Submission:

Women's Health and Genetics/Laboratory Corporation of America, LabCorp
Classification: Uncertain significance. Last evaluated: 2026-02-03. Review status: criteria provided, single submitter. Criteria: LabCorp Variant Classification Summary - May 2015. Collection method: clinical testing. Allele origin: germline.
Comment: Variant summary: COL5A1 c.287T>C (p.Phe96Ser) results in a non-conservative amino acid change in the encoded protein sequence. Algorithms developed to predict the effect of missense changes on protein structure and function are either unavailable or do not agree on the potential impact of this missense change. The variant was absent in 251140 control chromosomes. The available data on variant occurrences in the general population are insufficient to allow any conclusion about variant significance. To our knowledge, no occurrence of c.287T>C in individuals affected with COL5A1-related conditions and no experimental evidence demonstrating its impact on protein function have been reported. No submitters have cited clinical-significance assessments for this variant to ClinVar. Based on the evidence outlined above, the variant was classified as uncertain significance.